The following is an entry in ClinVar:

NM_001145715.3(KPNA7):c.1030G>A (p.Glu344Lys)

Gene: KPNA7 (karyopherin subunit alpha 7; minus strand). Cytogenetic location: 7q22.1.
Variant type: single nucleotide variant.
Coding change: c.1030G>A on transcript NM_001145715.3 (MANE Select); coding-DNA position 1030, G replaced by A.
Protein change: p.Glu344Lys; replaces glutamic acid 344 with lysine.
Molecular consequence: missense variant.
Genome position (GRCh38, 1-based): chr7:99,185,033, C>T on the plus strand (G>A on the coding strand, the complement: KPNA7 is on the minus strand). VCF-style: chr7-99185033-C-T. GRCh37 (hg19) VCF-style: chr7-98782656-C-T.
Other names: short protein forms E344K.
Identifiers: ClinVar variation 1424679 (VCV001424679.5), dbSNP rs587777539, ClinGen allele CA4363151.
Genomic context (GRCh38, chr7:99,185,033, plus strand): 5'-GCAGCTGCTGGATGTGGTGACAAGGCCCCGCTGCTACGTTGCTCAGGGCCCAGGCTGCCT[C>T]CTTCTGGATGGAGGGCTTGTTGTGTTGCAGGAGCTGGGGGAGCACGTTCAGCATACCCGC-3'
Protein context (NP_001139187.1, residues 334-354): LQHNKPSIQK[Glu344Lys]AAWALSNVAA

ClinVar aggregate classification (germline): Uncertain significance (1 of 4 stars; one submission).

Allele frequency attached by ClinVar (database versions not stated): ExAC 0.00004.

Submission:

Labcorp Genetics (formerly Invitae), Labcorp
Classification: Uncertain significance. Last evaluated: 2022-03-19. Review status: criteria provided, single submitter. Criteria: Invitae Variant Classification Sherloc (09022015). Collection method: clinical testing. Allele origin: germline.
Comment: This sequence change replaces glutamic acid, which is acidic and polar, with lysine, which is basic and polar, at codon 344 of the KPNA7 protein (p.Glu344Lys). This variant is present in population databases (rs587777539, gnomAD 0.007%). This variant has not been reported in the literature in individuals affected with KPNA7-related conditions. Algorithms developed to predict the effect of missense changes on protein structure and function are either unavailable or do not agree on the potential impact of this missense change (SIFT: "Tolerated"; PolyPhen-2: "Probably Damaging"; Align-GVGD: "Class C0"). In summary, the available evidence is currently insufficient to determine the role of this variant in disease. Therefore, it has been classified as a Variant of Uncertain Significance.